The following is an entry in ClinVar:

NM_001032283.3(TMPO):c.565+2197T>C

Gene: TMPO (thymopoietin; plus strand). Cytogenetic location: 12q23.1.
Variant type: single nucleotide variant.
Coding change: c.565+2197T>C on transcript NM_001032283.3 (MANE Select); 2197 bases into the intron after coding-DNA position 565, T replaced by C.
Molecular consequence: intron variant. On other transcripts: missense variant (1).
Genome position (GRCh38, 1-based): chr12:98,534,035, T>C. VCF-style: chr12-98534035-T-C. GRCh37 (hg19) VCF-style: chr12-98927813-T-C.
Other names: c.1778T>C, p.Met593Thr (NM_003276.2); c.565+2197T>C (NM_001307975.2, NM_001032284.3); short protein forms M593T.
Identifiers: ClinVar variation 999669 (VCV000999669.9), dbSNP rs1877401842, ClinGen allele CA386153913.
Genomic context (GRCh38, chr12:98,534,035, plus strand): 5'-ATGAAGCTGCAGCATCAGCATTGCAGATTGCAACTCACACTGCCTTTGTAGCTAAGGCTA[T>C]GCAGGCAGACATTAGTCAAGCTGCACAGATTCTTAGCTCAGATCCTAGTCGTACCCACCA-3'

ClinVar aggregate classification (germline): Uncertain significance (1 of 4 stars; one submission).

Conditions:
Loeys-Dietz syndrome 2 (LDS2). Also called: TGFBR2-Related Loeys-Dietz Syndrome; AORTIC ANEURYSM, FAMILIAL THORACIC 3; MARFAN SYNDROME, TYPE II; Marfan Syndrome type 2; Marfan like connective tissue disorder; MFS 2. Identifiers: Orphanet 284973, Orphanet 558, MedGen C2674574, MONDO:0012427, OMIM 610168.

Submission:

Labcorp Genetics (formerly Invitae), Labcorp
Classification: Uncertain significance for Loeys-Dietz syndrome 2. Last evaluated: 2022-11-08. Review status: criteria provided, single submitter. Criteria: Invitae Variant Classification Sherloc (09022015). Collection method: clinical testing. Allele origin: germline.
Comment: This sequence change replaces methionine, which is neutral and non-polar, with threonine, which is neutral and polar, at codon 593 of the TMPO protein (p.Met593Thr). This variant is not present in population databases (gnomAD no frequency). This variant has not been reported in the literature in individuals affected with TMPO-related conditions. ClinVar contains an entry for this variant (Variation ID: 999669). Advanced modeling of protein sequence and biophysical properties (such as structural, functional, and spatial information, amino acid conservation, physicochemical variation, residue mobility, and thermodynamic stability) performed at Invitae indicates that this missense variant is not expected to disrupt TMPO protein function. In summary, the available evidence is currently insufficient to determine the role of this variant in disease. Therefore, it has been classified as a Variant of Uncertain Significance.